The following is an entry in ClinVar:

ClinVar aggregate classification (germline): Uncertain significance (1 of 4 stars; one submission).

Conditions:
Mitochondrial trifunctional protein deficiency. Identifiers: Orphanet 746, MedGen C1969443, MONDO:0012172.

Submission:

Labcorp Genetics (formerly Invitae), Labcorp
Classification: Uncertain significance for Mitochondrial trifunctional protein deficiency. Last evaluated: 2023-12-21. Review status: criteria provided, single submitter. Criteria: Invitae Variant Classification Sherloc (09022015). Collection method: clinical testing. Allele origin: germline.
Comment: This sequence change replaces alanine, which is neutral and non-polar, with valine, which is neutral and non-polar, at codon 315 of the HADHB protein (p.Ala315Val). This variant is not present in population databases (gnomAD no frequency). This variant has not been reported in the literature in individuals affected with HADHB-related conditions. ClinVar contains an entry for this variant (Variation ID: 2011630). Advanced modeling of protein sequence and biophysical properties (such as structural, functional, and spatial information, amino acid conservation, physicochemical variation, residue mobility, and thermodynamic stability) performed at Invitae indicates that this missense variant is expected to disrupt HADHB protein function with a positive predictive value of 80%. In summary, the available evidence is currently insufficient to determine the role of this variant in disease. Therefore, it has been classified as a Variant of Uncertain Significance.

NM_000183.3(HADHB):c.944C>T (p.Ala315Val)

Gene: HADHB (hydroxyacyl-CoA dehydrogenase trifunctional multienzyme complex subunit beta; plus strand). Cytogenetic location: 2p23.3.
Variant type: single nucleotide variant.
Coding change: c.944C>T on transcript NM_000183.3 (MANE Select); coding-DNA position 944, C replaced by T.
Protein change: p.Ala315Val; replaces alanine 315 with valine.
Molecular consequence: missense variant.
Genome position (GRCh38, 1-based): chr2:26,282,855, C>T. VCF-style: chr2-26282855-C-T. GRCh37 (hg19) VCF-style: chr2-26505723-C-T.
Other names: c.899C>T, p.Ala300Val (NM_001281512.2); c.878C>T, p.Ala293Val (NM_001281513.2); short protein forms A315V, A293V, A300V.
Identifiers: ClinVar variation 2011630 (VCV002011630.4), dbSNP rs2465730603, ClinGen allele CA346094436.